The following is an entry in ClinVar:

NM_006133.3(DAGLA):c.2301G>A (p.Ala767=)

Gene: DAGLA (diacylglycerol lipase alpha; plus strand). Cytogenetic location: 11q12.2.
Variant type: single nucleotide variant.
Coding change: c.2301G>A on transcript NM_006133.3 (MANE Select); coding-DNA position 2301, G replaced by A.
Protein change: p.Ala767=; no amino-acid change (alanine 767 retained).
Molecular consequence: synonymous variant.
Genome position (GRCh38, 1-based): chr11:61,743,661, G>A. VCF-style: chr11-61743661-G-A. GRCh37 (hg19) VCF-style: chr11-61511133-G-A.
Identifiers: ClinVar variation 1274834 (VCV001274834.4), dbSNP rs3741251, ClinGen allele CA6037162.
Genomic context (GRCh38, chr11:61,743,661, plus strand): 5'-GGCGGCGGCCCGCCAGGACCCGGTGGAGCTGCTGCTGCTGTCTACCCAGGAGCGGCTGGC[G>A]GCGGAGCTGCAGGCCCGGCGGGCACCACTGGCCACCATGGAGAGCCTCTCGGACACTGAG-3'
Protein context (NP_006124.1, residues 757-777): LLLLSTQERL[Ala767=]AELQARRAPL

ClinVar aggregate classification (germline): Benign. Review status: criteria provided, multiple submitters, no conflicts (2 of 4 stars). 3 submissions from 3 submitters: Benign (2). 1 of the submissions does not count toward it. Last evaluated 2018-11-20.

Conditions:
DAGLA-related disorder. Also called: DAGLA-related condition.

Allele frequency attached by ClinVar (database versions not stated): ESP Exome Variant Server 0.11829; gnomAD 0.14321 and 0.14792; TOPMed 0.14419; gnomAD exomes 0.17327 and 0.19006; 1000 Genomes Project 30x 0.17614; 1000 Genomes Project 0.18011; ExAC 0.19551.
gnomAD v4.1: 272,548 of 1,598,510 alleles (17%); highest among the groups gnomAD compares: South Asian, 30%; 25,384 homozygotes.

Submissions (3):

GeneDx
Classification: Benign. Last evaluated: 2018-11-20. Review status: criteria provided, single submitter. Criteria: GeneDx Variant Classification Process June 2021. Collection method: clinical testing. Allele origin: germline. Affected: yes.

Breakthrough Genomics
Classification: Benign. Review status: criteria provided, single submitter. Criteria: ACMG Guidelines, 2015. Collection method: not provided. Allele origin: germline. Inheritance: Unknown mechanism. Affected: yes.

PreventionGenetics, part of Exact Sciences
Classification: Benign for DAGLA-related condition. Last evaluated: 2019-10-31. Review status: no assertion criteria provided. Collection method: clinical testing. Allele origin: germline. Not counted in ClinVar's aggregate classification.
Comment: This variant is classified as benign based on ACMG/AMP sequence variant interpretation guidelines (Richards et al. 2015 PMID: 25741868, with internal and published modifications).